The following is an entry in ClinVar:

NM_000264.5(PTCH1):c.3130G>A (p.Ala1044Thr)

Gene: PTCH1 (patched 1; minus strand). Cytogenetic location: 9q22.32.
Variant type: single nucleotide variant.
Coding change: c.3130G>A on transcript NM_000264.5 (MANE Select); coding-DNA position 3130, G replaced by A.
Protein change: p.Ala1044Thr; replaces alanine 1044 with threonine.
Molecular consequence: missense variant. On other transcripts: non-coding transcript variant (1).
Genome position (GRCh38, 1-based): chr9:95,458,051, C>T on the plus strand (G>A on the coding strand, the complement: PTCH1 is on the minus strand). VCF-style: chr9-95458051-C-T. GRCh37 (hg19) VCF-style: chr9-98220333-C-T.
Other names: c.2932G>A, p.Ala978Thr (NM_001083602.3); c.3127G>A, p.Ala1043Thr (NM_001083603.3); c.2677G>A, p.Ala893Thr (NM_001083604.3, NM_001083605.3, NM_001083606.3 and 1 more transcripts); c.2974G>A, p.Ala992Thr (NM_001354918.2); c.3130G>A (NM_000264.4); short protein forms A1044T, A978T, A992T, A1043T, A893T.
Identifiers: ClinVar variation 486188 (VCV000486188.18), dbSNP rs138458710, ClinGen allele CA5138250.

ClinVar aggregate classification (germline): Conflicting classifications of pathogenicity. Review status: criteria provided, conflicting classifications (1 of 4 stars). 4 submissions from 4 submitters: Uncertain significance (2); Likely benign (2). Last evaluated 2026-05-04.

Conditions:
Hereditary cancer-predisposing syndrome. Also called: Tumor predisposition; Hereditary neoplastic syndrome; Neoplastic Syndromes, Hereditary; Hereditary Cancer Syndrome. Identifiers: Orphanet 140162, MedGen C0027672, MeSH D009386, MONDO:0015356.
Gorlin syndrome. Also called: Basal cell nevus syndrome; Nevoid Basal Cell Carcinoma Syndrome. Identifiers: Orphanet 377, MedGen C0004779, MONDO:0007187.

Allele frequency attached by ClinVar (database versions not stated): TOPMed 0.00002; gnomAD 0.00001; ESP Exome Variant Server 0.00008; ExAC 0.00001.
gnomAD v4.1: 16 of 1,614,022 alleles (0.00099%); highest among the groups gnomAD compares: Admixed American, 0.0017%; no homozygotes.

Submissions (4):

Ambry Genetics
Classification: Likely benign for Hereditary cancer-predisposing syndrome. Last evaluated: 2026-05-04. Review status: criteria provided, single submitter. Criteria: Ambry Variant Classification Scheme 2023. Collection method: clinical testing. Allele origin: germline.

Labcorp Genetics (formerly Invitae), Labcorp
Classification: Likely benign for Gorlin syndrome. Last evaluated: 2026-01-26. Review status: criteria provided, single submitter. Criteria: Invitae Variant Classification Sherloc (09022015). Collection method: clinical testing. Allele origin: germline.

Quest Diagnostics Nichols Institute San Juan Capistrano
Classification: Uncertain significance. Last evaluated: 2025-01-08. Review status: criteria provided, single submitter. Criteria: Quest Diagnostics criteria. Collection method: clinical testing. Allele origin: unknown.
Comment: The PTCH1 c.3130G>A (p.Ala1044Thr) variant has not been reported in individuals with PTCH1-related conditions in the published literature. The frequency of this variant in the general population (Genome Aggregation Database) is uninformative in the assessment of its pathogenicity. Analysis of this variant using bioinformatics tools for the prediction of the effect of amino acid changes on protein structure and function yielded predictions that this variant is damaging. Based on the available information, we are unable to determine the clinical significance of this variant.

GeneDx
Classification: Uncertain significance. Last evaluated: 2023-08-04. Review status: criteria provided, single submitter. Criteria: GeneDx Variant Classification Process June 2021. Collection method: clinical testing. Allele origin: germline. Affected: yes.
Comment: Not observed at significant frequency in large population cohorts (gnomAD); In silico analysis supports that this missense variant does not alter protein structure/function; Has not been previously published as pathogenic or benign to our knowledge